The following is an entry in ClinVar:

NM_001080517.3(SETD5):c.385T>C (p.Ser129Pro)

Gene: SETD5 (SET domain containing 5; plus strand). Cytogenetic location: 3p25.3.
Variant type: single nucleotide variant.
Coding change: c.385T>C on transcript NM_001080517.3 (MANE Select); coding-DNA position 385, T replaced by C.
Protein change: p.Ser129Pro; replaces serine 129 with proline.
Molecular consequence: missense variant.
Genome position (GRCh38, 1-based): chr3:9,434,879, T>C. VCF-style: chr3-9434879-T-C. GRCh37 (hg19) VCF-style: chr3-9476563-T-C.
Other names: c.52T>C, p.Ser18Pro (NM_001292043.2, NM_001349451.2); short protein forms S129P, S18P.
Identifiers: ClinVar variation 3602504 (VCV003602504.1).
Genomic context (GRCh38, chr3:9,434,879, plus strand): 5'-TTTAGGGGAATGAGCAGGGGGAAGGTTATTAGACTTCATCGGCGGAAGCAGGACAACATA[T>C]CAGGTGAGCGGAAGATGGGTTAGGTCCACAATTTGACATAAAAATATTCTGTGATCTGAA-3'
Protein context (NP_001073986.1, residues 119-139): RLHRRKQDNI[Ser129Pro]GGDSSATESW

ClinVar aggregate classification (germline): Uncertain significance (1 of 4 stars; one submission).

gnomAD v4.1: 3 of 1,613,302 alleles (0.00019%); highest among the groups gnomAD compares: Non-Finnish European, 0.00025%; no homozygotes.

Submission:

GeneDx
Classification: Uncertain significance. Last evaluated: 2024-08-01. Review status: criteria provided, single submitter. Criteria: GeneDx Variant Classification Process June 2021. Collection method: clinical testing. Allele origin: germline. Affected: yes.
Comment: Not observed at significant frequency in large population cohorts (gnomAD); In silico analysis supports that this missense variant has a deleterious effect on protein structure/function; Has not been previously published as pathogenic or benign to our knowledge